The following is an entry in ClinVar:

ClinVar aggregate classification (germline): Uncertain significance. Review status: criteria provided, multiple submitters, no conflicts (2 of 4 stars). 3 submissions from 3 submitters: Uncertain significance (3). Last evaluated 2026-04-14.

Conditions:
Cardiovascular phenotype. Identifiers: MedGen CN230736.
Catecholaminergic polymorphic ventricular tachycardia (CVPT). Also called: Catecholamine-induced polymorphic ventricular tachycardia. Identifiers: Orphanet 3286, MedGen C5574922, MONDO:0017990.
Cardiomyopathy (CMYO). Also called: Cardiomyopathies. Identifiers: Orphanet 167848, MedGen C0878544, MONDO:0004994, HP:0001638. Inheritance: Various modes of inheritance.

Allele frequency attached by ClinVar (database versions not stated): gnomAD exomes below 0.00001.
gnomAD v4.1: 1 of 1,613,786 alleles (0.000062%); highest among the groups gnomAD compares: South Asian, 0.0011%; no homozygotes.

Submissions (3):

Ambry Genetics
Classification: Uncertain significance for Cardiovascular phenotype. Last evaluated: 2026-04-14. Review status: criteria provided, single submitter. Criteria: Ambry Variant Classification Scheme 2023. Collection method: clinical testing. Allele origin: germline.
Comment: The p.M3461T variant (also known as c.10382T>C), located in coding exon 72 of the RYR2 gene, results from a T to C substitution at nucleotide position 10382. The methionine at codon 3461 is replaced by threonine, an amino acid with similar properties. This amino acid position is conserved. In addition, the in silico prediction for this alteration is inconclusive. Based on the available evidence, the clinical significance of this variant remains unclear.

Color Diagnostics, LLC DBA Color Health
Classification: Uncertain significance for Cardiomyopathy. Last evaluated: 2024-03-06. Review status: criteria provided, single submitter. Criteria: ACMG Guidelines, 2015. Collection method: clinical testing. Allele origin: germline.
Comment: This missense variant replaces methionine with threonine at codon 3461 of the RYR2 protein. Computational prediction suggests that this variant may not impact protein structure and function (internally defined REVEL score threshold <= 0.5, PMID: 27666373). Splice site prediction tools suggest that this variant may not impact RNA splicing. To our knowledge, functional studies have not been performed for this variant. This variant has not been reported in individuals affected with cardiovascular disorders in the literature. This variant has not been identified in the general population by the Genome Aggregation Database (gnomAD). The available evidence is insufficient to determine the role of this variant in disease conclusively. Therefore, this variant is classified as a Variant of Uncertain Significance.

All of Us Research Program, National Institutes of Health
Classification: Uncertain significance for Catecholaminergic polymorphic ventricular tachycardia. Last evaluated: 2023-03-02. Review status: criteria provided, single submitter. Criteria: ACMG Guidelines, 2015. Collection method: clinical testing. Allele origin: germline. Inheritance: Autosomal dominant inheritance. Observed: 1 variant allele, 1 heterozygote.
Comment: This missense variant replaces methionine with threonine at codon 3461 of the RYR2 protein. Computational prediction suggests that this variant may not impact protein structure and function (internally defined REVEL score threshold <= 0.5, PMID: 27666373). Splice site prediction tools suggest that this variant may not impact RNA splicing. To our knowledge, functional studies have not been performed for this variant. This variant has not been reported in individuals affected with cardiovascular disorders in the literature. This variant has not been identified in the general population by the Genome Aggregation Database (gnomAD). The available evidence is insufficient to determine the role of this variant in disease conclusively. Therefore, this variant is classified as a Variant of Uncertain Significance.

This study involves interpretation of variants in research participants for the purpose of population health screening. Participant phenotype was not available at the time of variant classification. Additional details can be found in publication PMID: 35346344, PMCID: PMC8962531

NM_001035.3(RYR2):c.10382T>C (p.Met3461Thr)

Gene: RYR2 (ryanodine receptor 2; plus strand). Cytogenetic location: 1q43.
Variant type: single nucleotide variant.
Coding change: c.10382T>C on transcript NM_001035.3 (MANE Select); coding-DNA position 10382, T replaced by C.
Protein change: p.Met3461Thr; replaces methionine 3461 with threonine.
Molecular consequence: missense variant.
Genome position (GRCh38, 1-based): chr1:237,717,256, T>C. VCF-style: chr1-237717256-T-C. GRCh37 (hg19) VCF-style: chr1-237880556-T-C.
Other names: c.10382T>C (NM_001035.2); short protein forms M3461T.
Identifiers: ClinVar variation 927237 (VCV000927237.6), dbSNP rs1689342753, ClinGen allele CA345414379.